The following is an entry in ClinVar:

ClinVar aggregate classification (germline): Likely pathogenic. Review status: criteria provided, multiple submitters, no conflicts (2 of 4 stars). 2 submissions from 2 submitters: Likely pathogenic (2). Last evaluated 2025-09-08.

Conditions:
Sandhoff disease. Also called: HEXOSAMINIDASES A AND B DEFICIENCY; Beta-hexosaminidase-beta-subunit deficiency; GM2 gangliosidosis, type 2; Total hexosaminidase deficiency; Sandhoff-Jatzkewitz-Pilz disease; GM2-GANGLIOSIDOSIS, TYPE II. Identifiers: Orphanet 796, MedGen C0036161, MONDO:0010006, OMIM 268800.

gnomAD v4.1: 1 of 1,609,734 alleles (0.000062%); highest among the groups gnomAD compares: Non-Finnish European, 0.000085%; no homozygotes.

Submissions (2):

Natera, Inc.
Classification: Likely pathogenic for Sandhoff disease. Last evaluated: 2025-09-08. Review status: criteria provided, single submitter. Criteria: Natera Variant Classification Schema (03/2026). Collection method: clinical testing. Allele origin: germline.
Comment: The c.1015G>T variant in HEXB is a nonsense variant predicted to introduce a stop codon at amino acid 339. This variant is expected to result in nonsense mediated decay, truncation, or a dysfunctional protein product. This variant is rare in the general population with a frequency below the threshold expected for the associated phenotype(s). Given the available evidence, this variant is classified as Likely Pathogenic.

Fulgent Genetics
Classification: Likely pathogenic for Sandhoff disease. Last evaluated: 2024-06-05. Review status: criteria provided, single submitter. Criteria: ACMG Guidelines, 2015. Collection method: clinical testing. Allele origin: germline.

NM_000521.4(HEXB):c.1015G>T (p.Glu339Ter)

Gene: HEXB (hexosaminidase subunit beta; plus strand). Cytogenetic location: 5q13.3.
Variant type: single nucleotide variant.
Coding change: c.1015G>T on transcript NM_000521.4 (MANE Select); coding-DNA position 1015, G replaced by T.
Protein change: p.Glu339Ter; replaces glutamic acid 339 with a stop codon.
Molecular consequence: nonsense.
Genome position (GRCh38, 1-based): chr5:74,715,623, G>T. VCF-style: chr5-74715623-G-T. GRCh37 (hg19) VCF-style: chr5-74011448-G-T.
Other names: c.340G>T, p.Glu114Ter (NM_001292004.2); c.1015G>T (NM_000521.3); short protein forms E114*, E339*.
Identifiers: ClinVar variation 3592761 (VCV003592761.2).